The following is an entry in ClinVar:

NM_024408.4(NOTCH2):c.3102C>T (p.Cys1034=)

Gene: NOTCH2 (notch receptor 2; minus strand). Cytogenetic location: 1p12.
Variant type: single nucleotide variant.
Coding change: c.3102C>T on transcript NM_024408.4 (MANE Select); coding-DNA position 3102, C replaced by T.
Protein change: p.Cys1034=; no amino-acid change (cysteine 1034 retained).
Molecular consequence: synonymous variant.
Genome position (GRCh38, 1-based): chr1:119,940,636, G>A on the plus strand (C>T on the coding strand, the complement: NOTCH2 is on the minus strand). VCF-style: chr1-119940636-G-A. GRCh37 (hg19) VCF-style: chr1-120483259-G-A.
Other names: c.3102C>T, p.Cys1034= (NM_001200001.2); c.3102C>T (NM_024408.3).
Identifiers: ClinVar variation 1646524 (VCV001646524.9), dbSNP rs782517126, ClinGen allele CA1040146.
Genomic context (GRCh38, chr1:119,940,636, plus strand): 5'-GCCCAGGGGGCAGCTGCAGCGGTAGGTACCCAGGCCATCAACACACGTTCCCTCATTCAG[G>A]CATGGATGAGAGCTGCATTCATTGATCTCATGGAGGCAGAAGGATCCAGTGAAACCCACA-3'
Protein context (NP_077719.2, residues 1024-1044): HEINECSSHP[Cys1034=]LNEGTCVDGL

ClinVar aggregate classification (germline): Likely benign. Review status: criteria provided, multiple submitters, no conflicts (2 of 4 stars). 2 submissions from 2 submitters: Likely benign (2). Last evaluated 2025-11-18.

Conditions:
NOTCH2-related disorder. Also called: NOTCH2-related condition.
Hajdu-Cheney syndrome (HJCYS). Also called: SERPENTINE FIBULA-POLYCYSTIC KIDNEY SYNDROME; Acroosteolysis dominant type; ACROOSTEOLYSIS WITH OSTEOPOROSIS AND CHANGES IN SKULL AND MANDIBLE. Identifiers: Orphanet 955, MedGen C0917715, MONDO:0007057, OMIM 102500.

Allele frequency attached by ClinVar (database versions not stated): gnomAD 0.00001; gnomAD exomes 0.00001 and 0.00003; ExAC 0.00002; TOPMed 0.00002.
gnomAD v4.1: 15 of 1,613,976 alleles (0.00093%); highest among the groups gnomAD compares: East Asian, 0.02%; no homozygotes.

Submissions (2):

PreventionGenetics, part of Exact Sciences
Classification: Likely benign for NOTCH2-related condition. Last evaluated: 2025-11-18. Review status: criteria provided, single submitter. Criteria: ACMG Guidelines, 2015. Collection method: clinical testing. Allele origin: germline.
Comment: This variant is classified as likely benign based on ACMG/AMP sequence variant interpretation guidelines (Richards et al. 2015 PMID: 25741868, with internal and published modifications).

Labcorp Genetics (formerly Invitae), Labcorp
Classification: Likely benign for Hajdu-Cheney syndrome. Last evaluated: 2025-01-23. Review status: criteria provided, single submitter. Criteria: Invitae Variant Classification Sherloc (09022015). Collection method: clinical testing. Allele origin: germline.